The following is an entry in ClinVar:

ClinVar aggregate classification (germline): Uncertain significance (1 of 4 stars; one submission).

Submission:

Labcorp Genetics (formerly Invitae), Labcorp
Classification: Uncertain significance. Last evaluated: 2022-03-11. Review status: criteria provided, single submitter. Criteria: Invitae Variant Classification Sherloc (09022015). Collection method: clinical testing. Allele origin: germline.
Comment: This sequence change replaces glycine, which is neutral and non-polar, with serine, which is neutral and polar, at codon 76 of the PNPT1 protein (p.Gly76Ser). Advanced modeling of protein sequence and biophysical properties (such as structural, functional, and spatial information, amino acid conservation, physicochemical variation, residue mobility, and thermodynamic stability) performed at Invitae indicates that this missense variant is expected to disrupt PNPT1 protein function. Algorithms developed to predict the effect of sequence changes on RNA splicing suggest that this variant may disrupt the consensus splice site. This variant is not present in population databases (gnomAD no frequency). This variant has not been reported in the literature in individuals affected with PNPT1-related conditions. In summary, the available evidence is currently insufficient to determine the role of this variant in disease. Therefore, it has been classified as a Variant of Uncertain Significance.

NM_033109.5(PNPT1):c.226G>A (p.Gly76Ser)

Gene: PNPT1 (polyribonucleotide nucleotidyltransferase 1; minus strand). Cytogenetic location: 2p16.1.
Variant type: single nucleotide variant.
Coding change: c.226G>A on transcript NM_033109.5 (MANE Select); coding-DNA position 226, G replaced by A.
Protein change: p.Gly76Ser; replaces glycine 76 with serine.
Molecular consequence: missense variant.
Genome position (GRCh38, 1-based): chr2:55,686,441, C>T on the plus strand (G>A on the coding strand, the complement: PNPT1 is on the minus strand). VCF-style: chr2-55686441-C-T. GRCh37 (hg19) VCF-style: chr2-55913576-C-T.
Other names: short protein forms G76S.
Identifiers: ClinVar variation 2109412 (VCV002109412.4), dbSNP rs2529623698, ClinGen allele CA346942166.
Genomic context (GRCh38, chr2:55,686,441, plus strand): 5'-TAAACTGGGAAGGGGAAGGTTTTGTTTTACTGACCGCTGTGACCATTACTGCAGTGTCAC[C>T]TGACTTAAACATAAAGAACAACGCTGGTAAGTTCCTTTGAAATCAGATATTAGCATCTAA-3'
Protein context (NP_149100.2, residues 66-86): FADGSAVVQS[Gly76Ser]DTAVMVTAVS